The following is an entry in ClinVar:

NM_020461.4(TUBGCP6):c.3464G>A (p.Arg1155Gln)

Gene: TUBGCP6 (tubulin gamma complex component 6; minus strand). Cytogenetic location: 22q13.33.
Variant type: single nucleotide variant.
Coding change: c.3464G>A on transcript NM_020461.4 (MANE Select); coding-DNA position 3464, G replaced by A.
Protein change: p.Arg1155Gln; replaces arginine 1155 with glutamine.
Molecular consequence: missense variant.
Genome position (GRCh38, 1-based): chr22:50,220,895, C>T on the plus strand (G>A on the coding strand, the complement: TUBGCP6 is on the minus strand). VCF-style: chr22-50220895-C-T. GRCh37 (hg19) VCF-style: chr22-50659324-C-T.
Other names: short protein forms R1155Q.
Identifiers: ClinVar variation 1980518 (VCV001980518.1), dbSNP rs762168094, ClinGen allele CA10307941.

ClinVar aggregate classification (germline): Uncertain significance (1 of 4 stars; one submission).

Allele frequency attached by ClinVar (database versions not stated): gnomAD exomes 0.00001; ExAC 0.00002.

Submission:

Labcorp Genetics (formerly Invitae), Labcorp
Classification: Uncertain significance. Last evaluated: 2022-09-21. Review status: criteria provided, single submitter. Criteria: Invitae Variant Classification Sherloc (09022015). Collection method: clinical testing. Allele origin: germline.
Comment: This sequence change replaces arginine, which is basic and polar, with glutamine, which is neutral and polar, at codon 1155 of the TUBGCP6 protein (p.Arg1155Gln). This variant is present in population databases (rs762168094, gnomAD 0.006%). This variant has not been reported in the literature in individuals affected with TUBGCP6-related conditions. Algorithms developed to predict the effect of missense changes on protein structure and function output the following: SIFT: "Deleterious"; PolyPhen-2: "Not Available"; Align-GVGD: "Class C0". The glutamine amino acid residue is found in multiple mammalian species, which suggests that this missense change does not adversely affect protein function. Algorithms developed to predict the effect of sequence changes on RNA splicing suggest that this variant may create or strengthen a splice site. In summary, the available evidence is currently insufficient to determine the role of this variant in disease. Therefore, it has been classified as a Variant of Uncertain Significance.